The following is an entry in ClinVar:

NM_054012.4(ASS1):c.790G>A (p.Gly264Ser)

Gene: ASS1 (argininosuccinate synthase 1; plus strand). Cytogenetic location: 9q34.11.
Variant type: single nucleotide variant.
Coding change: c.790G>A on transcript NM_054012.4 (MANE Select); coding-DNA position 790, G replaced by A.
Protein change: p.Gly264Ser; replaces glycine 264 with serine.
Molecular consequence: missense variant.
Genome position (GRCh38, 1-based): chr9:130,480,401, G>A. VCF-style: chr9-130480401-G-A. GRCh37 (hg19) VCF-style: chr9-133355788-G-A.
Other names: c.790G>A, p.Gly264Ser (NM_000050.4); short protein forms G264S.
Identifiers: ClinVar variation 2107474 (VCV002107474.4), dbSNP rs2490592188, ClinGen allele CA375229441.

ClinVar aggregate classification (germline): Uncertain significance (1 of 4 stars; one submission).

Conditions:
Citrullinemia. Identifiers: Orphanet 187, MedGen C0175683, MONDO:0015991.

Submission:

Labcorp Genetics (formerly Invitae), Labcorp
Classification: Uncertain significance for Citrullinemia. Last evaluated: 2022-03-29. Review status: criteria provided, single submitter. Criteria: Invitae Variant Classification Sherloc (09022015). Collection method: clinical testing. Allele origin: germline.
Comment: This sequence change replaces glycine, which is neutral and non-polar, with serine, which is neutral and polar, at codon 264 of the ASS1 protein (p.Gly264Ser). In summary, the available evidence is currently insufficient to determine the role of this variant in disease. Therefore, it has been classified as a Variant of Uncertain Significance. Algorithms developed to predict the effect of missense changes on protein structure and function are either unavailable or do not agree on the potential impact of this missense change (SIFT: "Deleterious"; PolyPhen-2: "Probably Damaging"; Align-GVGD: "Class C0"). This missense change has been observed in individual(s) with a positive newborn screening result for ASS1-related disease (Invitae). This variant is not present in population databases (gnomAD no frequency).